The following is an entry in ClinVar:

NM_012281.3(KCND2):c.1370T>C (p.Leu457Pro)

Gene: KCND2 (potassium voltage-gated channel subfamily D member 2; plus strand). Cytogenetic location: 7q31.31.
Variant type: single nucleotide variant.
Coding change: c.1370T>C on transcript NM_012281.3 (MANE Select); coding-DNA position 1370, T replaced by C.
Protein change: p.Leu457Pro; replaces leucine 457 with proline.
Molecular consequence: missense variant.
Genome position (GRCh38, 1-based): chr7:120,741,625, T>C. VCF-style: chr7-120741625-T-C. GRCh37 (hg19) VCF-style: chr7-120381679-T-C.
Other names: short protein forms L457P.
Identifiers: ClinVar variation 2070370 (VCV002070370.4), dbSNP rs1020247388, ClinGen allele CA165829735.

ClinVar aggregate classification (germline): Uncertain significance (1 of 4 stars; one submission).

Conditions:
Early Myoclonic Encephalopathy. Identifiers: MedGen C0270855.

Allele frequency attached by ClinVar (database versions not stated): TOPMed below 0.00001.

Submission:

Labcorp Genetics (formerly Invitae), Labcorp
Classification: Uncertain significance for Early Myoclonic Encephalopathy. Last evaluated: 2024-10-05. Review status: criteria provided, single submitter. Criteria: Invitae Variant Classification Sherloc (09022015). Collection method: clinical testing. Allele origin: germline.
Comment: This sequence change replaces leucine, which is neutral and non-polar, with proline, which is neutral and non-polar, at codon 457 of the KCND2 protein (p.Leu457Pro). This variant is not present in population databases (gnomAD no frequency). This variant has not been reported in the literature in individuals affected with KCND2-related conditions. ClinVar contains an entry for this variant (Variation ID: 2070370). Invitae Evidence Modeling of protein sequence and biophysical properties (such as structural, functional, and spatial information, amino acid conservation, physicochemical variation, residue mobility, and thermodynamic stability) has been performed for this missense variant. However, the output from this modeling did not meet the statistical confidence thresholds required to predict the impact of this variant on KCND2 protein function. In summary, the available evidence is currently insufficient to determine the role of this variant in disease. Therefore, it has been classified as a Variant of Uncertain Significance.